The following is an entry in ClinVar:

NM_000531.6(OTC):c.672G>A (p.Glu224=)

Gene: OTC (ornithine transcarbamylase; plus strand). Cytogenetic location: Xp11.4.
Variant type: single nucleotide variant.
Coding change: c.672G>A on transcript NM_000531.6 (MANE Select); coding-DNA position 672, G replaced by A.
Protein change: p.Glu224=; no amino-acid change (glutamic acid 224 retained).
Molecular consequence: synonymous variant.
Genome position (GRCh38, 1-based): chrX:38,408,750, G>A. VCF-style: chrX-38408750-G-A. GRCh37 (hg19) VCF-style: chrX-38268003-G-A.
Other names: c.672G>A, p.Glu224= (NM_001407092.1).
Identifiers: ClinVar variation 2499129 (VCV002499129.33), dbSNP rs750738921, ClinGen allele CA10385917.
Genomic context (GRCh38, chrX:38,408,750, plus strand): 5'-AAACATGTATAATAAAATTACCTAAATAAGATTTAAATTCTTCCTCCTTTAGGGTTATGA[G>A]CCGGATGCTAGTGTAACCAAGTTGGCAGAGCAGTATGCCAAAGAGGTATGCTCTTTACAT-3'
Protein context (NP_000522.3, residues 214-234): HLQAATPKGY[Glu224=]PDASVTKLAE

ClinVar aggregate classification (germline): Likely benign. Review status: criteria provided, multiple submitters, no conflicts (2 of 4 stars). 4 submissions from 4 submitters: Likely benign (4). Last evaluated 2024-07-20.

Conditions:
Ornithine carbamoyltransferase deficiency (OTCD). Also called: ORNITHINE TRANSCARBAMYLASE DEFICIENCY; ORNITHINE TRANSCARBAMYLASE DEFICIENCY, HYPERAMMONEMIA DUE TO; OTC DEFICIENCY; Ornithine Carbamoyltransferase Deficiency Disease. Identifiers: Orphanet 664, MedGen C0268542, MONDO:0010703, OMIM 311250.

Allele frequency attached by ClinVar (database versions not stated): gnomAD exomes below 0.00001; TOPMed below 0.00001; gnomAD 0.00001; ExAC 0.00002.
gnomAD v4.1: 4 of 1,196,006 alleles (0.00033%); highest among the groups gnomAD compares: Non-Finnish European, 0.00034%; no homozygotes.

Submissions (4):

All of Us Research Program, National Institutes of Health
Classification: Likely benign for Ornithine carbamoyltransferase deficiency. Last evaluated: 2024-07-20. Review status: criteria provided, single submitter. Criteria: ACMG Guidelines, 2015. Collection method: clinical testing. Allele origin: germline. Inheritance: X-linked inheritance. Observed: 1 variant allele, 1 hemizygote.
Comment: This study involves interpretation of variants in research participants for the purpose of population health screening. Participant phenotype was not available at the time of variant classification. Additional details can be found in publication PMID: 35346344, PMCID: PMC8962531

Color Diagnostics, LLC DBA Color Health
Classification: Likely benign for Ornithine carbamoyltransferase deficiency. Last evaluated: 2024-07-10. Review status: criteria provided, single submitter. Criteria: ACMG Guidelines, 2015. Collection method: clinical testing. Allele origin: germline.

Labcorp Genetics (formerly Invitae), Labcorp
Classification: Likely benign for Ornithine carbamoyltransferase deficiency. Last evaluated: 2024-01-07. Review status: criteria provided, single submitter. Criteria: Invitae Variant Classification Sherloc (09022015). Collection method: clinical testing. Allele origin: germline.

CeGaT Center for Human Genetics Tuebingen
Classification: Likely benign. Last evaluated: 2023-03-01. Review status: criteria provided, single submitter. Criteria: CeGaT Center For Human Genetics Tuebingen Variant Classification Criteria Version 2. Collection method: clinical testing. Allele origin: germline. Affected: yes. Observed: 1 variant allele.
Comment: OTC: BP4, BP7